The following is an entry in ClinVar:

NC_000001.10:g.(?_68914307)_(68919076_?)dup

Gene: RPE65 (retinoid isomerohydrolase RPE65; minus strand). Cytogenetic location: 1p31.2.
Variant type: Duplication.
Identifiers: ClinVar variation 1046312 (VCV001046312.5).

ClinVar aggregate classification (germline): Uncertain significance (1 of 4 stars; one submission).

Conditions:
Retinitis pigmentosa 20 (RP20). Identifiers: Orphanet 791, MedGen C3151086, MONDO:0013425, OMIM 613794.
Leber congenital amaurosis 2 (LCA2). Also called: AMAUROSIS CONGENITA OF LEBER II; Autosomal Recessive RPE65-Related Retinal Degeneration. Identifiers: Orphanet 65, MedGen C1859844, MONDO:0008765, OMIM 204100. Disease mechanism: loss of function.

Submission:

Labcorp Genetics (formerly Invitae), Labcorp
Classification: Uncertain significance for Leber congenital amaurosis 2; Retinitis pigmentosa 20. Last evaluated: 2020-01-27. Review status: criteria provided, single submitter. Criteria: Invitae Variant Classification Sherloc (09022015). Collection method: clinical testing. Allele origin: germline.
Comment: In summary, the available evidence is currently insufficient to determine the role of this variant in disease. Therefore, it has been classified as a Variant of Uncertain Significance. This variant has not been reported in the literature in individuals with RPE65-related conditions. This variant results in a copy number gain of the genomic region encompassing exons 1-2 of the RPE65 gene, which includes the initiator codon. The 5' end of this event is unknown as it extends beyond the assayed region for this gene and therefore may encompass additional genes. The 3' boundary is likely confined to intron intron 2 of the RPE65 gene. As the precise location of this event is unknown, it may be in tandem or it may be located elsewhere in the genome.